The following is an entry in ClinVar:

ClinVar aggregate classification (germline): Uncertain significance (1 of 4 stars; one submission).

Conditions:
Epidermolysis bullosa simplex with nail dystrophy (EBS5D). Identifiers: MedGen C4225309, MONDO:0014661, OMIM 616487.
Autosomal recessive limb-girdle muscular dystrophy type 2Q (LGMDR17). Also called: MUSCULAR DYSTROPHY, LIMB-GIRDLE, AUTOSOMAL RECESSIVE 17. Identifiers: Orphanet 254361, MedGen C3150989, MONDO:0013390, OMIM 613723.
Epidermolysis bullosa simplex 5B, with muscular dystrophy (EBS5B). Also called: Epidermolysis bullosa simplex with muscular dystrophy; EPIDERMOLYSIS BULLOSA SIMPLEX AND LIMB-GIRDLE MUSCULAR DYSTROPHY. Identifiers: Orphanet 257, MedGen C2931072, MONDO:0009181, OMIM 226670.
Epidermolysis bullosa simplex 5C, with pyloric atresia (EBS5C). Also called: PLEC-Related Epidermolysis Bullosa with Pyloric Atresia; Epidermolysis bullosa simplex with pyloric atresia; PLEC1-Related Epidermolysis Bullosa with Pyloric Atresia. Identifiers: Orphanet 158684, MedGen C2677349, MONDO:0012807, OMIM 612138.
Epidermolysis bullosa simplex, Ogna type (EBS5A). Also called: Pidermolysis bullosa simplex 5A, Ogna type; EPIDERMOLYSIS BULLOSA SIMPLEX 5A, OGNA TYPE. Identifiers: Orphanet 79401, MedGen C0432317, MONDO:0007555, OMIM 131950.

gnomAD v4.1: 1 of 1,612,892 alleles (0.000062%); highest among the groups gnomAD compares: Non-Finnish European, 0.000085%; no homozygotes.

Submission:

Labcorp Genetics (formerly Invitae), Labcorp
Classification: Uncertain significance for Autosomal recessive limb-girdle muscular dystrophy type 2Q; Epidermolysis bullosa simplex, Ogna type; Epidermolysis bullosa simplex with nail dystrophy; Epidermolysis bullosa simplex 5C, with pyloric atresia; Epidermolysis bullosa simplex 5B, with muscular dystrophy. Last evaluated: 2024-10-17. Review status: criteria provided, single submitter. Criteria: Invitae Variant Classification Sherloc (09022015). Collection method: clinical testing. Allele origin: germline.
Comment: This sequence change replaces histidine, which is basic and polar, with tyrosine, which is neutral and polar, at codon 491 of the PLEC protein (p.His491Tyr). This variant is present in population databases (rs782080176, gnomAD 0.0009%). This variant has not been reported in the literature in individuals affected with PLEC-related conditions. Experimental studies and prediction algorithms are not available or were not evaluated, and the functional significance of this variant is currently unknown. In summary, the available evidence is currently insufficient to determine the role of this variant in disease. Therefore, it has been classified as a Variant of Uncertain Significance.

NM_201384.3(PLEC):c.1390C>T (p.His464Tyr)

Gene: PLEC (plectin; minus strand). Cytogenetic location: 8q24.3.
Variant type: single nucleotide variant.
Coding change: c.1390C>T on transcript NM_201384.3 (MANE Select); coding-DNA position 1390, C replaced by T.
Protein change: p.His464Tyr; replaces histidine 464 with tyrosine.
Molecular consequence: missense variant.
Genome position (GRCh38, 1-based): chr8:143,933,225, G>A on the plus strand (C>T on the coding strand, the complement: PLEC is on the minus strand). VCF-style: chr8-143933225-G-A. GRCh37 (hg19) VCF-style: chr8-145007393-G-A.
Other names: c.1471C>T, p.His491Tyr (NM_000445.5, NM_001410941.1); c.1348C>T, p.His450Tyr (NM_201378.4); c.1324C>T, p.His442Tyr (NM_201379.3); c.1801C>T, p.His601Tyr (NM_201380.4); c.1294C>T, p.His432Tyr (NM_201381.3); c.1390C>T, p.His464Tyr (NM_201382.4); c.1402C>T, p.His468Tyr (NM_201383.3); short protein forms H432Y, H442Y, H450Y, H464Y, H468Y, H491Y, H601Y.
Identifiers: ClinVar variation 3748679 (VCV003748679.2).